The following is an entry in ClinVar:

NM_005862.3(STAG1):c.3271+5G>A

Gene: STAG1 (STAG1 cohesin complex component; minus strand). Cytogenetic location: 3q22.3.
Variant type: single nucleotide variant.
Coding change: c.3271+5G>A on transcript NM_005862.3 (MANE Select); 5 bases into the intron after coding-DNA position 3271, G replaced by A.
Molecular consequence: intron variant.
Genome position (GRCh38, 1-based): chr3:136,349,153, C>T on the plus strand (G>A on the coding strand, the complement: STAG1 is on the minus strand). VCF-style: chr3-136349153-C-T. GRCh37 (hg19) VCF-style: chr3-136067995-C-T.
Identifiers: ClinVar variation 3031406 (VCV003031406.3), dbSNP rs2530050552, ClinGen allele CA2740091027.

ClinVar aggregate classification (germline): Uncertain significance (1 of 4 stars; one submission).

Conditions:
STAG1-related disorder. Also called: STAG1-related disorders.

Submission:

PreventionGenetics, part of Exact Sciences
Classification: Uncertain significance for STAG1-related condition. Last evaluated: 2026-01-07. Review status: criteria provided, single submitter. Criteria: ACMG Guidelines, 2015. Collection method: clinical testing. Allele origin: germline.
Comment: The STAG1 c.3271+5G>A variant is predicted to interfere with splicing. This variant is predicted to alter splicing based on available splicing prediction programs (SpliceAI, Jaganathan et al. 2019. PubMed ID: 30661751). To our knowledge, this variant has not been reported in the literature or in gnomAD, indicating this variant is rare. At this time, the clinical significance of this variant is uncertain due to the absence of conclusive functional and genetic evidence.